The following is an entry in ClinVar:

NM_022089.4(ATP13A2):c.2488T>G (p.Phe830Val)

Gene: ATP13A2 (ATPase cation transporting 13A2; minus strand). Cytogenetic location: 1p36.13.
Variant type: single nucleotide variant.
Coding change: c.2488T>G on transcript NM_022089.4 (MANE Select); coding-DNA position 2488, T replaced by G.
Protein change: p.Phe830Val; replaces phenylalanine 830 with valine.
Molecular consequence: missense variant. On other transcripts: intron variant (1).
Genome position (GRCh38, 1-based): chr1:16,989,928, A>C on the plus strand (T>G on the coding strand, the complement: ATP13A2 is on the minus strand). VCF-style: chr1-16989928-A-C. GRCh37 (hg19) VCF-style: chr1-17316423-A-C.
Other names: c.2473T>G, p.Phe825Val (NM_001141973.3); c.2398-158T>G (NM_001141974.3); short protein forms F825V, F830V.
Identifiers: ClinVar variation 1998554 (VCV001998554.4), dbSNP rs2523076787, ClinGen allele CA338240441.

ClinVar aggregate classification (germline): Uncertain significance (1 of 4 stars; one submission).

Conditions:
Autosomal recessive spastic paraplegia type 78. Identifiers: Orphanet 513436, MedGen C5567893, MONDO:0014975, OMIM 617225.
Kufor-Rakeb syndrome (KRS). Also called: PARKINSON DISEASE 9, AUTOSOMAL RECESSIVE, JUVENILE-ONSET. Identifiers: Orphanet 306674, Orphanet 314632, MedGen C1847640, MONDO:0011706, OMIM 606693.

Submission:

Labcorp Genetics (formerly Invitae), Labcorp
Classification: Uncertain significance for Kufor-Rakeb syndrome; Autosomal recessive spastic paraplegia type 78. Last evaluated: 2022-05-25. Review status: criteria provided, single submitter. Criteria: Invitae Variant Classification Sherloc (09022015). Collection method: clinical testing. Allele origin: germline.
Comment: In summary, the available evidence is currently insufficient to determine the role of this variant in disease. Therefore, it has been classified as a Variant of Uncertain Significance. Algorithms developed to predict the effect of missense changes on protein structure and function are either unavailable or do not agree on the potential impact of this missense change (SIFT: "Deleterious"; PolyPhen-2: "Probably Damaging"; Align-GVGD: "Class C0"). This variant has not been reported in the literature in individuals affected with ATP13A2-related conditions. This variant is not present in population databases (gnomAD no frequency). This sequence change replaces phenylalanine, which is neutral and non-polar, with valine, which is neutral and non-polar, at codon 830 of the ATP13A2 protein (p.Phe830Val).